The following is an entry in ClinVar:

ClinVar aggregate classification (germline): Uncertain significance. Review status: criteria provided, multiple submitters, no conflicts (2 of 4 stars). 2 submissions from 2 submitters: Uncertain significance (2). Last evaluated 2024-05-03.

Allele frequency attached by ClinVar (database versions not stated): gnomAD exomes 0.00001; TOPMed 0.00004.
gnomAD v4.1: 4 of 1,551,450 alleles (0.00026%); highest among the groups gnomAD compares: Admixed American, 0.0059%; no homozygotes.

Submissions (2):

GeneDx
Classification: Uncertain significance. Last evaluated: 2024-05-03. Review status: criteria provided, single submitter. Criteria: GeneDx Variant Classification Process June 2021. Collection method: clinical testing. Allele origin: germline. Affected: yes.
Comment: In silico analysis supports that this missense variant has a deleterious effect on protein structure/function; Has not been previously published as pathogenic or benign to our knowledge

Ambry Genetics
Classification: Uncertain significance. Last evaluated: 2021-07-14. Review status: criteria provided, single submitter. Criteria: Ambry Variant Classification Scheme 2023. Collection method: clinical testing. Allele origin: germline.

NM_001367479.1(DNAH14):c.10581A>C (p.Glu3527Asp)

Gene: DNAH14 (dynein axonemal heavy chain 14; plus strand). Cytogenetic location: 1q42.12.
Variant type: single nucleotide variant.
Coding change: c.10581A>C on transcript NM_001367479.1 (MANE Select); coding-DNA position 10581, A replaced by C.
Protein change: p.Glu3527Asp; replaces glutamic acid 3527 with aspartic acid.
Molecular consequence: missense variant.
Genome position (GRCh38, 1-based): chr1:225,340,604, A>C. VCF-style: chr1-225340604-A-C. GRCh37 (hg19) VCF-style: chr1-225528306-A-C.
Other names: NM_001373.1:c.10302A>C; short protein forms E3527D.
Identifiers: ClinVar variation 2395182 (VCV002395182.3), dbSNP rs1172836856, ClinGen allele CA344990544.